The following is an entry in ClinVar:

ClinVar aggregate classification (germline): Uncertain significance. Review status: criteria provided, multiple submitters, no conflicts (2 of 4 stars). 7 submissions from 7 submitters: Uncertain significance (6). 1 of the submissions does not count toward it. Last evaluated 2025-04-18.

Conditions:
CFTR-related disorder (CFTR-RD). Also called: CFTR-related disorders; CFTR-related condition. Identifiers: MedGen C5924204, MONDO:7770004.
Cystic fibrosis (CF). Also called: MUCOVISCIDOSIS. Identifiers: Orphanet 586, MedGen C0010674, MONDO:0009061, OMIM 219700. Disease mechanism: loss of function.

Allele frequency attached by ClinVar (database versions not stated): gnomAD 0.00001; TOPMed 0.00004; gnomAD exomes below 0.00001.
gnomAD v4.1: 6 of 1,613,758 alleles (0.00037%); highest among the groups gnomAD compares: African/African-American, 0.004%; no homozygotes.

Submissions (7):

Ambry Genetics
Classification: Uncertain significance for Cystic fibrosis. Last evaluated: 2025-04-18. Review status: criteria provided, single submitter. Criteria: Ambry Variant Classification Scheme 2023. Collection method: clinical testing. Allele origin: germline.
Comment: The p.K14E variant (also known as c.40A>G), located in coding exon 1 of the CFTR gene, results from an A to G substitution at nucleotide position 40. The lysine at codon 14 is replaced by glutamic acid, an amino acid with similar properties. This variant was not reported in population based cohorts in the following databases: Database of Single Nucleotide Polymorphisms (dbSNP), NHLBI Exome Sequencing Project (ESP), and 1000 Genomes Project. In the ESP, this variant was not observed in 6503 samples (13006 alleles) with coverage at this position. This amino acid position is highly conserved in available vertebrate species. In addition, the in silico prediction for this alteration is inconclusive. Since supporting evidence is limited at this time, the clinical significance of this variant remains unclear.

Women's Health and Genetics/Laboratory Corporation of America, LabCorp
Classification: Uncertain significance. Last evaluated: 2024-05-22. Review status: criteria provided, single submitter. Criteria: LabCorp Variant Classification Summary - May 2015. Collection method: clinical testing. Allele origin: germline.
Comment: Variant summary: CFTR c.40A>G (p.Lys14Glu) results in a conservative amino acid change in the encoded protein sequence. Four of five in-silico tools predict a benign effect of the variant on protein function. The variant allele was found at a frequency of 4e-06 in 250876 control chromosomes (gnomAD). The available data on variant occurrences in the general population are insufficient to allow any conclusion about variant significance. To our knowledge, no occurrence of c.40A>G in individuals affected with Cystic Fibrosis and no experimental evidence demonstrating its impact on protein function have been reported. ClinVar contains an entry for this variant (Variation ID: 495943). Based on the evidence outlined above, the variant was classified as uncertain significance.

Genome-Nilou Lab
Classification: Uncertain significance for Cystic fibrosis. Last evaluated: 2021-09-05. Review status: criteria provided, single submitter. Criteria: ACMG Guidelines, 2015. Collection method: clinical testing. Allele origin: germline. Affected: no.

Johns Hopkins Genomics, Johns Hopkins University
Classification: Uncertain significance for Cystic fibrosis. Last evaluated: 2020-01-29. Review status: criteria provided, single submitter. Criteria: ACMG Guidelines, 2015. Collection method: clinical testing. Allele origin: germline.
Comment: CFTR c.40A>G has not been reported in patients with cystic fibrosis to our knowledge. Two ClinVar submitters classify this substitution as a variant of uncertain clincal significance. This CFTR variant (rs397508673) is rare (<0.1%) in a large population dataset (gnomAD: 1/250876 total alleles; 0.0004%; no homozygotes). Of three bioinformatics tools queried, two predict that p.Lys14Glu would be tolerated, while a third predicts that it would be damaging. The lysine residue at this position is conserved in most mammalian species assessed. We consider the clinical significance of c.40A>G to be uncertain at this time.

ARUP Laboratories, Molecular Genetics and Genomics, ARUP Laboratories
Classification: Uncertain significance. Last evaluated: 2019-04-24. Review status: criteria provided, single submitter. Criteria: ARUP Molecular Germline Variant Investigation Process. Collection method: clinical testing. Allele origin: germline.
Comment: The CFTR c.40A>G; p.Lys14Glu variant, to our knowledge, is not reported in the medical literature but is reported as uncertain significance in ClinVar (Variation ID: 495943). This variant is only observed on one allele in the Genome Aggregation Database, indicating it is not a common polymorphism. The lysine at codon 14 is moderately conserved, and computational analyses (SIFT: damaging; PolyPhen-2: benign) predict conflicting effects of this variant on protein structure/function. Due to limited information, the clinical significance of the p.Lys14Glu variant is uncertain at this time.

Eurofins Ntd Llc (ga)
Classification: Uncertain significance. Last evaluated: 2017-12-28. Review status: criteria provided, single submitter. Criteria: EGL Classification Definitions 2015. Collection method: clinical testing. Allele origin: germline. Observed: 1 variant allele, 1 heterozygote.

Natera, Inc.
Classification: Uncertain significance for CFTR-related disorders. Last evaluated: 2018-06-22. Review status: no assertion criteria provided. Collection method: clinical testing. Allele origin: germline. Not counted in ClinVar's aggregate classification.

NM_000492.4(CFTR):c.40A>G (p.Lys14Glu)

Gene: CFTR (CF transmembrane conductance regulator; plus strand). Cytogenetic location: 7q31.2.
Variant type: single nucleotide variant.
Coding change: c.40A>G on transcript NM_000492.4 (MANE Select); coding-DNA position 40, A replaced by G.
Protein change: p.Lys14Glu; replaces lysine 14 with glutamic acid.
Molecular consequence: missense variant.
Genome position (GRCh38, 1-based): chr7:117,480,134, A>G. VCF-style: chr7-117480134-A-G. GRCh37 (hg19) VCF-style: chr7-117120188-A-G.
Other names: short protein forms K14E.
Identifiers: ClinVar variation 495943 (VCV000495943.21), dbSNP rs397508673, ClinGen allele CA368981296.